The following is an entry in ClinVar:

NM_030662.4(MAP2K2):c.691C>T (p.Arg231Cys)

Gene: MAP2K2 (mitogen-activated protein kinase kinase 2; minus strand). Cytogenetic location: 19p13.3.
Variant type: single nucleotide variant.
Coding change: c.691C>T on transcript NM_030662.4 (MANE Select); coding-DNA position 691, C replaced by T.
Protein change: p.Arg231Cys; replaces arginine 231 with cysteine.
Molecular consequence: missense variant.
Genome position (GRCh38, 1-based): chr19:4,101,033, G>A on the plus strand (C>T on the coding strand, the complement: MAP2K2 is on the minus strand). VCF-style: chr19-4101033-G-A. GRCh37 (hg19) VCF-style: chr19-4101031-G-A.
Other names: short protein forms R231C.
Identifiers: ClinVar variation 2176289 (VCV002176289.6), dbSNP rs375843855, ClinGen allele CA9090855.

ClinVar aggregate classification (germline): Uncertain significance. Review status: criteria provided, multiple submitters, no conflicts (2 of 4 stars). 2 submissions from 2 submitters: Uncertain significance (2). Last evaluated 2025-05-10.

Conditions:
RASopathy. Also called: rasopathies; Noonan spectrum disorder. Identifiers: Orphanet 536391, MedGen C5555857, MONDO:0021060.

Allele frequency attached by ClinVar (database versions not stated): gnomAD exomes below 0.00001; gnomAD 0.00001; ESP Exome Variant Server 0.00008; ExAC 0.00004.
gnomAD v4.1: 3 of 1,563,482 alleles (0.00019%); highest among the groups gnomAD compares: Non-Finnish European, 0.00026%; no homozygotes.

Submissions (2):

Dasa
Classification: Uncertain significance. Last evaluated: 2025-05-10. Review status: criteria provided, single submitter. Criteria: DASA Assertion Criteria. Collection method: clinical testing. Allele origin: germline.
Comment: NM_030662.4(MAP2K2):c.691C>T (p.Arg231Cys) is a missense variant that results in the substitution of arginine with cysteine. This variant is rare in population databases. Computational prediction algorithms are consistent with a deleterious effect. The currently available literature and clinical evidence are not sufficient to establish a definitive association between this variant and the reported condition. Therefore, this variant is classified as a variant of uncertain significance.

Labcorp Genetics (formerly Invitae), Labcorp
Classification: Uncertain significance for RASopathy. Last evaluated: 2024-04-17. Review status: criteria provided, single submitter. Criteria: Invitae Variant Classification Sherloc (09022015). Collection method: clinical testing. Allele origin: germline.
Comment: This sequence change replaces arginine, which is basic and polar, with cysteine, which is neutral and slightly polar, at codon 231 of the MAP2K2 protein (p.Arg231Cys). The frequency data for this variant in the population databases is considered unreliable, as metrics indicate poor data quality at this position in the gnomAD database. This variant has not been reported in the literature in individuals affected with MAP2K2-related conditions. ClinVar contains an entry for this variant (Variation ID: 2176289). Advanced modeling of protein sequence and biophysical properties (such as structural, functional, and spatial information, amino acid conservation, physicochemical variation, residue mobility, and thermodynamic stability) has been performed at Invitae for this missense variant, however the output from this modeling did not meet the statistical confidence thresholds required to predict the impact of this variant on MAP2K2 protein function. In summary, the available evidence is currently insufficient to determine the role of this variant in disease. Therefore, it has been classified as a Variant of Uncertain Significance.